The following is an entry in ClinVar:

ClinVar aggregate classification (germline): Uncertain significance (1 of 4 stars; one submission).

Conditions:
Hajdu-Cheney syndrome (HJCYS). Also called: SERPENTINE FIBULA-POLYCYSTIC KIDNEY SYNDROME; ACROOSTEOLYSIS WITH OSTEOPOROSIS AND CHANGES IN SKULL AND MANDIBLE; Acroosteolysis dominant type. Identifiers: Orphanet 955, MedGen C0917715, MONDO:0007057, OMIM 102500.

Allele frequency attached by ClinVar (database versions not stated): gnomAD exomes below 0.00001; ExAC 0.00001.
gnomAD v4.1: 1 of 1,614,042 alleles (0.000062%); highest among the groups gnomAD compares: Non-Finnish European, 0.000085%; no homozygotes.

Submission:

Labcorp Genetics (formerly Invitae), Labcorp
Classification: Uncertain significance for Hajdu-Cheney syndrome. Last evaluated: 2022-06-13. Review status: criteria provided, single submitter. Criteria: Invitae Variant Classification Sherloc (09022015). Collection method: clinical testing. Allele origin: germline.
Comment: Advanced modeling of protein sequence and biophysical properties (such as structural, functional, and spatial information, amino acid conservation, physicochemical variation, residue mobility, and thermodynamic stability) performed at Invitae indicates that this missense variant is not expected to disrupt NOTCH2 protein function. This variant has not been reported in the literature in individuals affected with NOTCH2-related conditions. This variant is present in population databases (rs782747038, gnomAD 0.0009%). This sequence change replaces aspartic acid, which is acidic and polar, with valine, which is neutral and non-polar, at codon 333 of the NOTCH2 protein (p.Asp333Val). In summary, the available evidence is currently insufficient to determine the role of this variant in disease. Therefore, it has been classified as a Variant of Uncertain Significance.

NM_024408.4(NOTCH2):c.998A>T (p.Asp333Val)

Gene: NOTCH2 (notch receptor 2; minus strand). Cytogenetic location: 1p12.
Variant type: single nucleotide variant.
Coding change: c.998A>T on transcript NM_024408.4 (MANE Select); coding-DNA position 998, A replaced by T.
Protein change: p.Asp333Val; replaces aspartic acid 333 with valine.
Molecular consequence: missense variant.
Genome position (GRCh38, 1-based): chr1:119,969,621, T>A on the plus strand (A>T on the coding strand, the complement: NOTCH2 is on the minus strand). VCF-style: chr1-119969621-T-A. GRCh37 (hg19) VCF-style: chr1-120512244-T-A.
Other names: c.998A>T, p.Asp333Val (NM_001200001.2); short protein forms D333V.
Identifiers: ClinVar variation 1346215 (VCV001346215.8), dbSNP rs782747038, ClinGen allele CA1040635.
Genomic context (GRCh38, chr1:119,969,621, plus strand): 5'-CAGGTGGAGCCTGGAGTACAGGAGGCGAAGGCACAATCATCAATGTTCTCACTGCAGTCA[T>A]CTCCACTCCAGCCGTTGACACATACACAGCCATAGCCTCCATTGCGGTTGGCACAGGTGC-3'
Protein context (NP_077719.2, residues 323-343): GCVCVNGWSG[Asp333Val]DCSENIDDCA